The following is an entry in ClinVar:

NM_006662.3(SRCAP):c.4286_4287del (p.Ser1429fs)

Gene: SRCAP (Snf2 related CREBBP activator protein; plus strand). Cytogenetic location: 16p11.2.
Variant type: Microsatellite.
Coding change: c.4286_4287del on transcript NM_006662.3 (MANE Select); coding-DNA positions 4286 to 4287, 2 bases deleted (CT; older notation c.4286_4287delCT).
Protein change: p.Ser1429fs; shifts the reading frame from serine 1429.
Molecular consequence: frameshift variant.
Genome position (GRCh38, 1-based): chr16:30,723,710-30,723,711, CT deleted; deleting any 2 consecutive bases within chr16:30,723,708-30,723,711 gives the same sequence; the c. name uses the placement nearest the transcript's 3' end. VCF-style (leftmost placement, unchanged base first): chr16-30723707-CCT-C. GRCh37 (hg19) VCF-style: chr16-30735028-CCT-C.
Other names: short protein forms S1429fs.
Identifiers: ClinVar variation 2632734 (VCV002632734.1), dbSNP rs2506677149, ClinGen allele CA2695197635.

ClinVar aggregate classification (germline): Likely pathogenic (1 of 4 stars; one submission).

Conditions:
SRCAP-related disorder. Also called: SRCAP-related condition.

Submission:

PreventionGenetics, part of Exact Sciences
Classification: Likely pathogenic for SRCAP-related condition. Last evaluated: 2023-07-11. Review status: criteria provided, single submitter. Criteria: ACMG Guidelines, 2015. Collection method: clinical testing. Allele origin: germline.
Comment: The SRCAP c.4286_4287delCT variant is predicted to result in a frameshift and premature protein termination (p.Ser1429Tyrfs*418). This variant is located in exon 25. To our knowledge, this variant has not been reported in the literature or in a large population database, indicating this variant is rare. Frameshift variants in SRCAP are expected to be pathogenic. This variant is interpreted as likely pathogenic.